The following is an entry in ClinVar:

ClinVar aggregate classification (germline): Pathogenic (0 of 4 stars; one submission).

Conditions:
Fanconi anemia complementation group A (FANCA). Also called: Fanconi anemia, group A; FANCA-Related Fanconi Anemia. Identifiers: Orphanet 84, MedGen C3469521, MONDO:0009215, OMIM 227650.

Submission:

Leiden Open Variation Database
Classification: Pathogenic for Fanconi anemia complementation group A. Last evaluated: 2020-02-28. Review status: no assertion criteria provided. Collection method: curation. Allele origin: germline. Affected: yes.
Comment: Curator: Arleen D. Auerbach. Submitter to LOVD: Johan de Winter.

Literature cited by the submitters: PubMed 22778927.

NM_000135.4(FANCA):c.2982-192A>G

Gene: FANCA (FA complementation group A; minus strand). Cytogenetic location: 16q24.3.
Variant type: single nucleotide variant.
Coding change: c.2982-192A>G on transcript NM_000135.4 (MANE Select); 192 bases into the intron before coding-DNA position 2982, A replaced by G.
Molecular consequence: intron variant.
Genome position (GRCh38, 1-based): chr16:89,752,414, T>C on the plus strand (A>G on the coding strand, the complement: FANCA is on the minus strand). VCF-style: chr16-89752414-T-C. GRCh37 (hg19) VCF-style: chr16-89818822-T-C.
Other names: c.2982-192A>G (NM_001286167.3).
Identifiers: ClinVar variation 974153 (VCV000974153.1), dbSNP rs2038628210, ClinGen allele CA1139665040.